The following is an entry in ClinVar:

NM_004481.5(GALNT2):c.287A>C (p.Gln96Pro)

Gene: GALNT2 (polypeptide N-acetylgalactosaminyltransferase 2; plus strand). Cytogenetic location: 1q42.13.
Variant type: single nucleotide variant.
Coding change: c.287A>C on transcript NM_004481.5 (MANE Select); coding-DNA position 287, A replaced by C.
Protein change: p.Gln96Pro; replaces glutamine 96 with proline.
Molecular consequence: missense variant.
Genome position (GRCh38, 1-based): chr1:230,203,203, A>C. VCF-style: chr1-230203203-A-C. GRCh37 (hg19) VCF-style: chr1-230338949-A-C.
Other names: c.173A>C, p.Gln58Pro (NM_001291866.2); short protein forms Q96P, Q58P.
Identifiers: ClinVar variation 4738112 (VCV004738112.1).

ClinVar aggregate classification (germline): Uncertain significance (1 of 4 stars; one submission).

Submission:

Labcorp Genetics (formerly Invitae), Labcorp
Classification: Uncertain significance. Last evaluated: 2026-02-02. Review status: criteria provided, single submitter. Criteria: Invitae Variant Classification Sherloc (09022015). Collection method: clinical testing. Allele origin: germline.
Comment: This sequence change replaces glutamine, which is neutral and polar, with proline, which is neutral and non-polar, at codon 96 of the GALNT2 protein (p.Gln96Pro). This variant is not present in population databases (gnomAD no frequency). This variant has not been reported in the literature in individuals affected with GALNT2-related conditions. Invitae Evidence Modeling of protein sequence and biophysical properties (such as structural, functional, and spatial information, amino acid conservation, physicochemical variation, residue mobility, and thermodynamic stability) indicates that this missense variant is not expected to disrupt GALNT2 protein function with a negative predictive value of 80%. In summary, the available evidence is currently insufficient to determine the role of this variant in disease. Therefore, it has been classified as a Variant of Uncertain Significance.